The following is an entry in ClinVar:

ClinVar aggregate classification (germline): Uncertain significance. Review status: criteria provided, multiple submitters, no conflicts (2 of 4 stars). 4 submissions from 4 submitters: Uncertain significance (4). Last evaluated 2025-07-09.

Allele frequency attached by ClinVar (database versions not stated): gnomAD 0.00001; ExAC 0.00002; gnomAD exomes 0.00002 and 0.00006; TOPMed 0.00003; ESP Exome Variant Server 0.00008.
gnomAD v4.1: 93 of 1,612,836 alleles (0.0058%); highest among the groups gnomAD compares: Non-Finnish European, 0.0076%; no homozygotes.

Submissions (4):

GeneDx
Classification: Uncertain significance. Last evaluated: 2025-07-09. Review status: criteria provided, single submitter. Criteria: GeneDx Variant Classification Process June 2021. Collection method: clinical testing. Allele origin: germline.
Comment: In silico analysis supports that this missense variant has a deleterious effect on protein structure/function; Has not been previously published as pathogenic or benign to our knowledge

Mayo Clinic Laboratories, Mayo Clinic
Classification: Uncertain significance. Last evaluated: 2024-08-27. Review status: criteria provided, single submitter. Criteria: ACMG Guidelines, 2015. Collection method: clinical testing. Allele origin: germline. Observed: 1 variant allele.
Comment: PP3, PM2

Blueprint Genetics
Classification: Uncertain significance. Last evaluated: 2023-12-28. Review status: criteria provided, single submitter. Criteria: ACMG Guidelines, 2015. Collection method: clinical testing. Allele origin: germline.

Labcorp Genetics (formerly Invitae), Labcorp
Classification: Uncertain significance. Last evaluated: 2022-07-25. Review status: criteria provided, single submitter. Criteria: Invitae Variant Classification Sherloc (09022015). Collection method: clinical testing. Allele origin: germline.
Comment: This sequence change replaces serine, which is neutral and polar, with leucine, which is neutral and non-polar, at codon 392 of the AEBP1 protein (p.Ser392Leu). This variant is present in population databases (rs144457398, gnomAD 0.005%). This variant has not been reported in the literature in individuals affected with AEBP1-related conditions. ClinVar contains an entry for this variant (Variation ID: 1395283). Algorithms developed to predict the effect of missense changes on protein structure and function are either unavailable or do not agree on the potential impact of this missense change (SIFT: "Deleterious"; PolyPhen-2: "Probably Damaging"; Align-GVGD: "Class C0"). In summary, the available evidence is currently insufficient to determine the role of this variant in disease. Therefore, it has been classified as a Variant of Uncertain Significance.

NM_001129.5(AEBP1):c.1175C>T (p.Ser392Leu)

Gene: AEBP1 (AE binding protein 1; plus strand). Cytogenetic location: 7p13.
Variant type: single nucleotide variant.
Coding change: c.1175C>T on transcript NM_001129.5 (MANE Select); coding-DNA position 1175, C replaced by T.
Protein change: p.Ser392Leu; replaces serine 392 with leucine.
Molecular consequence: missense variant.
Genome position (GRCh38, 1-based): chr7:44,110,039, C>T. VCF-style: chr7-44110039-C-T. GRCh37 (hg19) VCF-style: chr7-44149638-C-T.
Other names: p.Ser392Leu; c.1175C>T (NM_001129.4); short protein forms S392L.
Identifiers: ClinVar variation 1395283 (VCV001395283.5), dbSNP rs144457398, ClinGen allele CA4237802.
Genomic context (GRCh38, chr7:44,110,039, plus strand): 5'-GCTAGTGAGCCACCATTCTGGGGTACGCGTCCTCAGAGTGTCCCCCCATTGGGATGGAGT[C>T]ACACCGTATTGAGGACAACCAGATCCGAGCCTCCTCCATGCTGCGCCACGGCCTGGGGGC-3'
Protein context (NP_001120.3, residues 382-402): KVKCPPIGME[Ser392Leu]HRIEDNQIRA